The following is an entry in ClinVar:

NM_024747.6(HPS6):c.1711_1712insAG (p.Cys571Ter)

Gene: HPS6 (HPS6 biogenesis of lysosomal organelles complex 2 subunit 3; plus strand). Cytogenetic location: 10q24.32.
Variant type: Insertion.
Coding change: c.1711_1712insAG on transcript NM_024747.6 (MANE Select); coding-DNA positions 1711 to 1712, AG inserted.
Protein change: p.Cys571Ter; replaces cysteine 571 with a stop codon.
Molecular consequence: nonsense.
Genome position: GRCh38 VCF-style: chr10-102067185-T-TAG. GRCh37 (hg19) VCF-style: chr10-103826942-T-TAG.
Other names: short protein forms C571*.
Identifiers: ClinVar variation 435465 (VCV000435465.14), dbSNP rs1220869113, ClinGen allele CA645372884.

ClinVar aggregate classification (germline): Pathogenic/Likely pathogenic. Review status: criteria provided, multiple submitters, no conflicts (2 of 4 stars). 3 submissions from 3 submitters: Pathogenic (2); Likely pathogenic (1). Last evaluated 2023-07-25.

Conditions:
Hermansky-Pudlak syndrome (HPS). Also called: ALBINISM WITH HEMORRHAGIC DIATHESIS AND PIGMENTED RETICULOENDOTHELIAL CELLS. Identifiers: Orphanet 79430, MedGen C0079504, MONDO:0019312.
Hermansky-Pudlak syndrome 6 (HPS6). Identifiers: Orphanet 231512, Orphanet 79430, MedGen C3888007, MONDO:0013558, OMIM 614075.

Allele frequency attached by ClinVar (database versions not stated): gnomAD exomes below 0.00001; TOPMed 0.00001.

Submissions (3):

Labcorp Genetics (formerly Invitae), Labcorp
Classification: Pathogenic. Last evaluated: 2023-07-25. Review status: criteria provided, single submitter. Criteria: Invitae Variant Classification Sherloc (09022015). Collection method: clinical testing. Allele origin: germline.
Comment: This sequence change creates a premature translational stop signal (p.Cys571*) in the HPS6 gene. While this is not anticipated to result in nonsense mediated decay, it is expected to disrupt the last 205 amino acid(s) of the HPS6 protein. This variant is not present in population databases (gnomAD no frequency). This variant has not been reported in the literature in individuals affected with HPS6-related conditions. ClinVar contains an entry for this variant (Variation ID: 435465). This variant disrupts a region of the HPS6 protein in which other variant(s) (p.Gln680*) have been determined to be pathogenic (PMID: 27225848). This suggests that this is a clinically significant region of the protein, and that variants that disrupt it are likely to be disease-causing. For these reasons, this variant has been classified as Pathogenic.

Women's Health and Genetics/Laboratory Corporation of America, LabCorp
Classification: Likely pathogenic for Hermansky-Pudlak syndrome. Last evaluated: 2022-08-16. Review status: criteria provided, single submitter. Criteria: LabCorp Variant Classification Summary - May 2015. Collection method: clinical testing. Allele origin: germline.
Comment: Variant summary: HPS6 c.1711_1712insAG (p.Cys571X), located in exon 1 of the single exon gene, results in a premature termination codon, predicted to cause a truncation of the encoded protein or absence of the protein due to nonsense mediated decay, which are commonly known mechanisms for disease. Truncations downstream of this position have been reported in association with Hermansky-Pudlak Syndrome in the HGMD database. The variant was absent in 248294 control chromosomes. c.1711_1712insAG has been reported in the literature among clinically significant variants in individuals affected with Hermansky-Pudlak Syndrome (example, Karim_2022). To our knowledge, no experimental evidence demonstrating an impact on protein function has been reported. Two clinical diagnostic laboratories have submitted clinical-significance assessments for this variant to ClinVar after 2014 without evidence for independent evaluation. All laboratories classified the variant as pathogenic. Based on the evidence outlined above, the variant was classified as likely pathogenic.

Genetic Services Laboratory, University of Chicago
Classification: Pathogenic for Hermansky-Pudlak syndrome 6. Last evaluated: 2016-12-02. Review status: criteria provided, single submitter. Criteria: ACMG Guidelines, 2015. Collection method: clinical testing. Allele origin: germline. Affected: yes.

Literature cited by the submitters: PubMed 27225848 (cited by Labcorp Genetics (formerly Invitae), Labcorp); PubMed 35054407 (cited by Women's Health and Genetics/Laboratory Corporation of America, LabCorp).